The following is an entry in ClinVar:

ClinVar aggregate classification (germline): Uncertain significance (1 of 4 stars; one submission).

Conditions:
Hereditary motor and sensory neuropathy, Okinawa type (HMSNO). Also called: HEREDITARY MOTOR AND SENSORY NEUROPATHY, PROXIMAL TYPE. Identifiers: Orphanet 90117, MedGen C1858338, MONDO:0011468, OMIM 604484.
Hereditary spastic paraplegia 57. Also called: Spastic paraplegia 57, autosomal recessive. Identifiers: Orphanet 431329, MedGen C3714897, MONDO:0014295, OMIM 615658.

Allele frequency attached by ClinVar (database versions not stated): gnomAD exomes below 0.00001.

Submission:

Labcorp Genetics (formerly Invitae), Labcorp
Classification: Uncertain significance for Hereditary motor and sensory neuropathy, Okinawa type; Hereditary spastic paraplegia 57. Last evaluated: 2024-11-04. Review status: criteria provided, single submitter. Criteria: Invitae Variant Classification Sherloc (09022015). Collection method: clinical testing. Allele origin: germline.
Comment: This sequence change replaces aspartic acid, which is acidic and polar, with glutamic acid, which is acidic and polar, at codon 189 of the TFG protein (p.Asp189Glu). This variant is not present in population databases (gnomAD no frequency). This variant has not been reported in the literature in individuals affected with TFG-related conditions. ClinVar contains an entry for this variant (Variation ID: 864470). Invitae Evidence Modeling of protein sequence and biophysical properties (such as structural, functional, and spatial information, amino acid conservation, physicochemical variation, residue mobility, and thermodynamic stability) indicates that this missense variant is not expected to disrupt TFG protein function with a negative predictive value of 80%. In summary, the available evidence is currently insufficient to determine the role of this variant in disease. Therefore, it has been classified as a Variant of Uncertain Significance.

NM_006070.6(TFG):c.567T>A (p.Asp189Glu)

Gene: TFG (trafficking from ER to golgi regulator; plus strand). Cytogenetic location: 3q12.2.
Variant type: single nucleotide variant.
Coding change: c.567T>A on transcript NM_006070.6 (MANE Select); coding-DNA position 567, T replaced by A.
Protein change: p.Asp189Glu; replaces aspartic acid 189 with glutamic acid.
Molecular consequence: missense variant.
Genome position (GRCh38, 1-based): chr3:100,732,659, T>A. VCF-style: chr3-100732659-T-A. GRCh37 (hg19) VCF-style: chr3-100451503-T-A.
Other names: c.567T>A, p.Asp189Glu (NM_001007565.2, NM_001195478.2, NM_001195479.2); short protein forms D189E.
Identifiers: ClinVar variation 864470 (VCV000864470.9), dbSNP rs370447670, ClinGen allele CA79702006.